The following is an entry in ClinVar:

NM_001378615.1(CC2D2A):c.2830-1G>A

Genes: FBXL5 (F-box and leucine rich repeat protein 5; minus strand), CC2D2A (coiled-coil and C2 domain containing 2A; plus strand). Cytogenetic location: 4p15.32.
Variant type: single nucleotide variant.
Coding change: c.2830-1G>A on transcript NM_001378615.1 (MANE Select); the canonical splice acceptor site of the intron before coding-DNA position 2830, G replaced by A.
Molecular consequence: splice acceptor variant.
Genome position (GRCh38, 1-based): chr4:15,559,164, G>A. VCF-style: chr4-15559164-G-A. GRCh37 (hg19) VCF-style: chr4-15560787-G-A.
Other names: c.2830-1G>A (NM_001080522.2); c.2683-1G>A (NM_001378617.1).
Identifiers: ClinVar variation 2931149 (VCV002931149.3), dbSNP rs2475046362, ClinGen allele CA356412560.
Genomic context (GRCh38, chr4:15,559,164, plus strand): 5'-ACCTGATCTTAAGAAAAGCACCAGAGAGTGCTTTAAAATCATTGCCTCTTTTTAATTTTA[G>A]GACTATGAGAAACGGTTACGAGACAGAAATGTAATAGAAACCAAGGAACACATAGACACC-3'

ClinVar aggregate classification (germline): Likely pathogenic (1 of 4 stars; one submission).

Conditions:
Joubert syndrome. Also called: JOUBERT-BOLTSHAUSER SYNDROME; Familial aplasia of the vermis. Identifiers: Orphanet 475, MedGen C5979921, MONDO:0018772.
Meckel-Gruber syndrome. Also called: DYSENCEPHALIA SPLANCHNOCYSTICA; GRUBER SYNDROME; Dysencephalia splachnocystica. Identifiers: Orphanet 564, MedGen C0265215, MONDO:0018921.

Submission:

Labcorp Genetics (formerly Invitae), Labcorp
Classification: Likely pathogenic for Joubert syndrome; Meckel-Gruber syndrome. Last evaluated: 2025-11-03. Review status: criteria provided, single submitter. Criteria: Invitae Variant Classification Sherloc (09022015). Collection method: clinical testing. Allele origin: germline.
Comment: This sequence change affects an acceptor splice site in intron 22 of the CC2D2A gene. It is expected to disrupt RNA splicing. Variants that disrupt the donor or acceptor splice site typically lead to a loss of protein function (PMID: 16199547), and loss-of-function variants in CC2D2A are known to be pathogenic (PMID: 19777577). This variant is not present in population databases (gnomAD no frequency). This variant has not been reported in the literature in individuals affected with CC2D2A-related conditions. ClinVar contains an entry for this variant (Variation ID: 2931149). Algorithms developed to predict the effect of sequence changes on RNA splicing suggest that this variant may disrupt the consensus splice site. In summary, the currently available evidence indicates that the variant is pathogenic, but additional data are needed to prove that conclusively. Therefore, this variant has been classified as Likely Pathogenic.

Literature cited by the submitters: PubMed 16199547; PubMed 19777577.